The following is an entry in ClinVar:

NM_020338.4(ZMIZ1):c.2965C>A (p.Pro989Thr)

Gene: ZMIZ1 (zinc finger MIZ-type containing 1; plus strand). Cytogenetic location: 10q22.3.
Variant type: single nucleotide variant.
Coding change: c.2965C>A on transcript NM_020338.4 (MANE Select); coding-DNA position 2965, C replaced by A.
Protein change: p.Pro989Thr; replaces proline 989 with threonine.
Molecular consequence: missense variant.
Genome position (GRCh38, 1-based): chr10:79,311,053, C>A. VCF-style: chr10-79311053-C-A. GRCh37 (hg19) VCF-style: chr10-81070810-C-A.
Other names: c.2965C>A (NM_020338.3); short protein forms P989T.
Identifiers: ClinVar variation 1971754 (VCV001971754.30), dbSNP rs757183814, ClinGen allele CA5573159.

ClinVar aggregate classification (germline): Conflicting classifications of pathogenicity. Review status: criteria provided, conflicting classifications (1 of 4 stars). 3 submissions from 3 submitters: Uncertain significance (1); Benign (1); Likely benign (1). Last evaluated 2024-12-30.

Conditions:
Inborn genetic diseases. Identifiers: MedGen C0950123, MeSH D030342.

gnomAD v4.1: 101 of 1,613,522 alleles (0.0063%); highest among the groups gnomAD compares: Non-Finnish European, 0.0085%; no homozygotes.

Submissions (3):

Ambry Genetics
Classification: Uncertain significance for Inborn genetic diseases. Last evaluated: 2024-12-30. Review status: criteria provided, single submitter. Criteria: Ambry Variant Classification Scheme 2023. Collection method: clinical testing. Allele origin: germline.

Labcorp Genetics (formerly Invitae), Labcorp
Classification: Benign. Last evaluated: 2024-11-12. Review status: criteria provided, single submitter. Criteria: Invitae Variant Classification Sherloc (09022015). Collection method: clinical testing. Allele origin: germline.

CeGaT Center for Human Genetics Tuebingen
Classification: Likely benign. Last evaluated: 2023-03-01. Review status: criteria provided, single submitter. Criteria: CeGaT Center For Human Genetics Tuebingen Variant Classification Criteria Version 2. Collection method: clinical testing. Allele origin: germline. Affected: yes. Observed: 1 variant allele.
Comment: ZMIZ1: BP4